The following is an entry in ClinVar:

NM_032228.6(FAR1):c.1091A>G (p.Tyr364Cys)

Gene: FAR1 (fatty acyl-CoA reductase 1; plus strand). Cytogenetic location: 11p15.3.
Variant type: single nucleotide variant.
Coding change: c.1091A>G on transcript NM_032228.6 (MANE Select); coding-DNA position 1091, A replaced by G.
Protein change: p.Tyr364Cys; replaces tyrosine 364 with cysteine.
Molecular consequence: missense variant.
Genome position (GRCh38, 1-based): chr11:13,714,644, A>G. VCF-style: chr11-13714644-A-G. GRCh37 (hg19) VCF-style: chr11-13736191-A-G.
Other names: short protein forms Y364C.
Identifiers: ClinVar variation 1474619 (VCV001474619.9), dbSNP rs2134194187, ClinGen allele CA379858525.
Genomic context (GRCh38, chr11:13,714,644, plus strand): 5'-CCAATCATCTTTTATATCATTACTGGATTGCTGTAAGCCATAAGGCCCCAGCATTCCTGT[A>G]TGATATCTACCTCAGGATGACTGGAAGAAGCCCAAGGTAATGGTGACTAGCTCTGTCTTA-3'
Protein context (NP_115604.1, residues 354-374): AVSHKAPAFL[Tyr364Cys]DIYLRMTGRS

ClinVar aggregate classification (germline): Uncertain significance. Review status: criteria provided, multiple submitters, no conflicts (2 of 4 stars). 2 submissions from 2 submitters: Uncertain significance (2). Last evaluated 2022-01-10.

Allele frequency attached by ClinVar (database versions not stated): gnomAD exomes 0.00001.
gnomAD v4.1: 3 of 1,613,124 alleles (0.00019%); highest among the groups gnomAD compares: Non-Finnish European, 0.00025%; no homozygotes.

Submissions (2):

GeneDx
Classification: Uncertain significance. Last evaluated: 2022-01-10. Review status: criteria provided, single submitter. Criteria: GeneDx Variant Classification Process June 2021. Collection method: clinical testing. Allele origin: germline. Affected: yes.
Comment: Not observed at significant frequency in large population cohorts (gnomAD); In silico analysis supports that this missense variant does not alter protein structure/function; Has not been previously published as pathogenic or benign to our knowledge

Labcorp Genetics (formerly Invitae), Labcorp
Classification: Uncertain significance. Last evaluated: 2021-05-09. Review status: criteria provided, single submitter. Criteria: Invitae Variant Classification Sherloc (09022015). Collection method: clinical testing. Allele origin: germline.
Comment: In summary, the available evidence is currently insufficient to determine the role of this variant in disease. Therefore, it has been classified as a Variant of Uncertain Significance. Algorithms developed to predict the effect of missense changes on protein structure and function (SIFT, PolyPhen-2, Align-GVGD) all suggest that this variant is likely to be tolerated, but these predictions have not been confirmed by published functional studies and their clinical significance is uncertain. This variant has not been reported in the literature in individuals with FAR1-related conditions. This variant is not present in population databases (ExAC no frequency). This sequence change replaces tyrosine with cysteine at codon 364 of the FAR1 protein (p.Tyr364Cys). The tyrosine residue is highly conserved and there is a large physicochemical difference between tyrosine and cysteine.